The following is an entry in ClinVar:

NM_003098.3(SNTA1):c.311-20C>T

Gene: SNTA1 (syntrophin alpha 1; minus strand). Cytogenetic location: 20q11.21.
Variant type: single nucleotide variant.
Coding change: c.311-20C>T on transcript NM_003098.3 (MANE Select); 20 bases into the intron before coding-DNA position 311, C replaced by T.
Molecular consequence: intron variant.
Genome position (GRCh38, 1-based): chr20:33,439,046, G>A on the plus strand (C>T on the coding strand, the complement: SNTA1 is on the minus strand). VCF-style: chr20-33439046-G-A. GRCh37 (hg19) VCF-style: chr20-32026852-G-A.
Identifiers: ClinVar variation 669085 (VCV000669085.9), dbSNP rs200764326, ClinGen allele CA9817248.

ClinVar aggregate classification (germline): Benign/Likely benign. Review status: criteria provided, multiple submitters, no conflicts (2 of 4 stars). 3 submissions from 3 submitters: Benign (2); Likely benign (1). Last evaluated 2026-01-25.

Conditions:
Long QT syndrome (LQTS). Identifiers: MedGen C0023976, MeSH D008133, MONDO:0002442. Disease mechanism: loss of function. Inheritance: Various modes of inheritance.

Allele frequency attached by ClinVar (database versions not stated): gnomAD exomes 0.00011 and 0.00021; gnomAD 0.00013; ExAC 0.00014; ESP Exome Variant Server 0.00015; TOPMed 0.00015.
gnomAD v4.1: 182 of 1,610,254 alleles (0.011%); highest among the groups gnomAD compares: East Asian, 0.0022%; no homozygotes.

Submissions (3):

Labcorp Genetics (formerly Invitae), Labcorp
Classification: Benign for Long QT syndrome. Last evaluated: 2026-01-25. Review status: criteria provided, single submitter. Criteria: Invitae Variant Classification Sherloc (09022015). Collection method: clinical testing. Allele origin: germline.

Women's Health and Genetics/Laboratory Corporation of America, LabCorp
Classification: Benign. Last evaluated: 2020-08-17. Review status: criteria provided, single submitter. Criteria: LabCorp Variant Classification Summary - May 2015. Collection method: clinical testing. Allele origin: germline.
Comment: Variant summary: SNTA1 c.311-20C>T alters a non-conserved nucleotide located close to a canonical splice site and therefore could affect mRNA splicing, leading to a significantly altered protein sequence. 4/4 computational tools predict no significant impact on normal splicing. However, these predictions have yet to be confirmed by functional studies. The variant allele was found at a frequency of 0.00021 in 251324 control chromosomes (gnomAD). The observed variant frequency is approximately 60-fold of the estimated maximal expected allele frequency for a pathogenic variant in SNTA1 causing Long QT Syndrome phenotype (3.3e-06), strongly suggesting that the variant is benign. To our knowledge, no occurrence of c.311-20C>T in individuals affected with Long QT Syndrome and no experimental evidence demonstrating its impact on protein function have been reported. One clinical diagnostic laboratory has submitted clinical-significance assessments for this variant to ClinVar after 2014 without evidence for independent evaluation, and classified the variant as likely benign. Based on the evidence outlined above, the variant was classified as benign.

GeneDx
Classification: Likely benign. Last evaluated: 2018-06-01. Review status: criteria provided, single submitter. Criteria: GeneDx Variant Classification (06012015). Collection method: clinical testing. Allele origin: germline. Affected: yes.
Comment: This variant is considered likely benign or benign based on one or more of the following criteria: it is a conservative change, it occurs at a poorly conserved position in the protein, it is predicted to be benign by multiple in silico algorithms, and/or has population frequency not consistent with disease.